The following is an entry in ClinVar:

ClinVar aggregate classification (germline): Benign. Review status: criteria provided, multiple submitters, no conflicts (2 of 4 stars). 5 submissions from 5 submitters: Benign (4). 1 of the submissions does not count toward it. Last evaluated 2026-09-01.

Conditions:
PPP2R5D-related disorder. Also called: PPP2R5D-related condition.

Allele frequency attached by ClinVar (database versions not stated): 1000 Genomes Project 30x 0.00141; ExAC 0.00478; gnomAD exomes 0.00499 and 0.00769; gnomAD 0.00532 and 0.00555; TOPMed 0.00561; ESP Exome Variant Server 0.00569; 1000 Genomes Project 0.00120.
gnomAD v4.1: 12,045 of 1,613,872 alleles (0.75%); highest among the groups gnomAD compares: Non-Finnish European, 0.91%; 48 homozygotes.

Submissions (5):

CeGaT Center for Human Genetics Tuebingen
Classification: Benign. Last evaluated: 2026-09-01. Review status: criteria provided, single submitter. Criteria: CeGaT Center For Human Genetics Tuebingen Variant Classification Criteria Version 2. Collection method: clinical testing. Allele origin: germline. Affected: yes. Observed: 48 variant alleles.
Comment: PPP2R5D: BP4, BP7, BS1, BS2

Labcorp Genetics (formerly Invitae), Labcorp
Classification: Benign. Last evaluated: 2026-02-03. Review status: criteria provided, single submitter. Criteria: Invitae Variant Classification Sherloc (09022015). Collection method: clinical testing. Allele origin: germline.

Genetic Services Laboratory, University of Chicago
Classification: Benign. Last evaluated: 2020-02-04. Review status: criteria provided, single submitter. Criteria: ACMG Guidelines, 2015. Collection method: clinical testing. Allele origin: germline. Affected: no.

GeneDx
Classification: Benign. Last evaluated: 2018-08-20. Review status: criteria provided, single submitter. Criteria: GeneDx Variant Classification Process June 2021. Collection method: clinical testing. Allele origin: germline. Affected: yes.

PreventionGenetics, part of Exact Sciences
Classification: Benign for PPP2R5D-related condition. Last evaluated: 2021-12-14. Review status: no assertion criteria provided. Collection method: clinical testing. Allele origin: germline. Not counted in ClinVar's aggregate classification.
Comment: This variant is classified as benign based on ACMG/AMP sequence variant interpretation guidelines (Richards et al. 2015 PMID: 25741868, with internal and published modifications).

NM_006245.4(PPP2R5D):c.1284T>C (p.Asn428=)

Gene: PPP2R5D (protein phosphatase 2 regulatory subunit B'delta; plus strand). Cytogenetic location: 6p21.1.
Variant type: single nucleotide variant.
Coding change: c.1284T>C on transcript NM_006245.4 (MANE Select); coding-DNA position 1284, T replaced by C.
Protein change: p.Asn428=; no amino-acid change (asparagine 428 retained).
Molecular consequence: synonymous variant.
Genome position (GRCh38, 1-based): chr6:43,009,354, T>C. VCF-style: chr6-43009354-T-C. GRCh37 (hg19) VCF-style: chr6-42977092-T-C.
Other names: c.831T>C, p.Asn277= (NM_001270476.2); c.1188T>C, p.Asn396= (NM_180976.3); c.966T>C, p.Asn322= (NM_180977.3).
Identifiers: ClinVar variation 717702 (VCV000717702.50), dbSNP rs114970216, ClinGen allele CA3812030.